The following is an entry in ClinVar:

NM_000261.2(MYOC):c.1201A>C (p.Ile401Leu)

Gene: MYOC (myocilin; minus strand). Cytogenetic location: 1q24.3.
Variant type: single nucleotide variant.
Coding change: c.1201A>C on transcript NM_000261.2 (MANE Select); coding-DNA position 1201, A replaced by C.
Protein change: p.Ile401Leu; replaces isoleucine 401 with leucine.
Molecular consequence: missense variant.
Genome position (GRCh38, 1-based): chr1:171,636,239, T>G on the plus strand (A>C on the coding strand, the complement: MYOC is on the minus strand). VCF-style: chr1-171636239-T-G. GRCh37 (hg19) VCF-style: chr1-171605379-T-G.
Other names: short protein forms I401L.
Identifiers: ClinVar variation 2089889 (VCV002089889.4), dbSNP rs1187084570, ClinGen allele CA343724330.

ClinVar aggregate classification (germline): Uncertain significance (1 of 4 stars; one submission).

Allele frequency attached by ClinVar (database versions not stated): gnomAD exomes below 0.00001.
gnomAD v4.1: 1 of 1,614,164 alleles (0.000062%); highest among the groups gnomAD compares: Admixed American, 0.0017%; no homozygotes.

Submission:

Labcorp Genetics (formerly Invitae), Labcorp
Classification: Uncertain significance. Last evaluated: 2022-01-27. Review status: criteria provided, single submitter. Criteria: Invitae Variant Classification Sherloc (09022015). Collection method: clinical testing. Allele origin: germline.
Comment: Algorithms developed to predict the effect of missense changes on protein structure and function are either unavailable or do not agree on the potential impact of this missense change (SIFT: "Deleterious"; PolyPhen-2: "Probably Damaging"; Align-GVGD: "Class C0"). In summary, the available evidence is currently insufficient to determine the role of this variant in disease. Therefore, it has been classified as a Variant of Uncertain Significance. This variant has not been reported in the literature in individuals affected with MYOC-related conditions. This variant is present in population databases (no rsID available, gnomAD 0.003%). This sequence change replaces isoleucine, which is neutral and non-polar, with leucine, which is neutral and non-polar, at codon 401 of the MYOC protein (p.Ile401Leu).